The following is an entry in ClinVar:

NM_001130438.3(SPTAN1):c.3100A>G (p.Asn1034Asp)

Gene: SPTAN1 (spectrin alpha, non-erythrocytic 1; plus strand). Cytogenetic location: 9q34.11.
Variant type: single nucleotide variant.
Coding change: c.3100A>G on transcript NM_001130438.3 (MANE Select); coding-DNA position 3100, A replaced by G.
Protein change: p.Asn1034Asp; replaces asparagine 1034 with aspartic acid.
Molecular consequence: missense variant.
Genome position (GRCh38, 1-based): chr9:128,591,570, A>G. VCF-style: chr9-128591570-A-G. GRCh37 (hg19) VCF-style: chr9-131353849-A-G.
Other names: c.3100A>G, p.Asn1034Asp (NM_001195532.2, NM_001363759.2, NM_001363765.2 and 5 more transcripts); c.3136A>G, p.Asn1046Asp (NM_001375312.2, NM_001375318.1); short protein forms N1034D, N1046D.
Identifiers: ClinVar variation 2128121 (VCV002128121.4), dbSNP rs1460918561, ClinGen allele CA375060434.
Genomic context (GRCh38, chr9:128,591,570, plus strand): 5'-GGTTTTGTGCCGGCTGCGTACGTGAAGAAATTGGACCCCGCCCAGTCAGCCTCCCGGGAG[A>G]ATCTCCTGGAGGAGCAAGGCAGCATAGCACTGCGGCAGGAGCAGATTGACAATCAGTAAG-3'
Protein context (NP_001123910.1, residues 1024-1044): LDPAQSASRE[Asn1034Asp]LLEEQGSIAL

ClinVar aggregate classification (germline): Uncertain significance (1 of 4 stars; one submission).

Conditions:
Early-infantile DEE. Also called: Early infantile epileptic encephalopathy; Ohtahara syndrome; Early infantile epileptic encephalopathy with suppression bursts. Identifiers: Orphanet 1934, MedGen C0393706, MONDO:0800491.

Allele frequency attached by ClinVar (database versions not stated): gnomAD 0.00001; TOPMed below 0.00001.
gnomAD v4.1: 1 of 1,613,998 alleles (0.000062%); highest among the groups gnomAD compares: Non-Finnish European, 0.000085%; no homozygotes.

Submission:

Labcorp Genetics (formerly Invitae), Labcorp
Classification: Uncertain significance for Early-infantile DEE. Last evaluated: 2022-04-19. Review status: criteria provided, single submitter. Criteria: Invitae Variant Classification Sherloc (09022015). Collection method: clinical testing. Allele origin: germline.
Comment: In summary, the available evidence is currently insufficient to determine the role of this variant in disease. Therefore, it has been classified as a Variant of Uncertain Significance. Algorithms developed to predict the effect of missense changes on protein structure and function (SIFT, PolyPhen-2, Align-GVGD) all suggest that this variant is likely to be tolerated. This variant has not been reported in the literature in individuals affected with SPTAN1-related conditions. This variant is present in population databases (no rsID available, gnomAD 0.007%). This sequence change replaces asparagine, which is neutral and polar, with aspartic acid, which is acidic and polar, at codon 1034 of the SPTAN1 protein (p.Asn1034Asp).